The following is an entry in ClinVar:

ClinVar aggregate classification (germline): Uncertain significance. Review status: criteria provided, multiple submitters, no conflicts (2 of 4 stars). 2 submissions from 2 submitters: Uncertain significance (2). Last evaluated 2024-09-08.

gnomAD v4.1: 37 of 1,613,848 alleles (0.0023%); highest among the groups gnomAD compares: Non-Finnish European, 0.0028%; no homozygotes.

Submissions (2):

GeneDx
Classification: Uncertain significance. Last evaluated: 2024-09-08. Review status: criteria provided, single submitter. Criteria: GeneDx Variant Classification Process June 2021. Collection method: clinical testing. Allele origin: germline. Affected: yes.
Comment: In silico analysis indicates that this missense variant does not alter protein structure/function; Has not been previously published as pathogenic or benign to our knowledge

Labcorp Genetics (formerly Invitae), Labcorp
Classification: Uncertain significance. Last evaluated: 2024-06-20. Review status: criteria provided, single submitter. Criteria: Invitae Variant Classification Sherloc (09022015). Collection method: clinical testing. Allele origin: germline.
Comment: This sequence change replaces asparagine, which is neutral and polar, with serine, which is neutral and polar, at codon 1829 of the ANK3 protein (p.Asn1829Ser). This variant is present in population databases (rs373339085, gnomAD 0.01%). This variant has not been reported in the literature in individuals affected with ANK3-related conditions. Advanced modeling of protein sequence and biophysical properties (such as structural, functional, and spatial information, amino acid conservation, physicochemical variation, residue mobility, and thermodynamic stability) performed at Invitae indicates that this missense variant is not expected to disrupt ANK3 protein function with a negative predictive value of 80%. In summary, the available evidence is currently insufficient to determine the role of this variant in disease. Therefore, it has been classified as a Variant of Uncertain Significance.

NM_020987.5(ANK3):c.5486A>G (p.Asn1829Ser)

Gene: ANK3 (ankyrin 3; minus strand). Cytogenetic location: 10q21.2.
Variant type: single nucleotide variant.
Coding change: c.5486A>G on transcript NM_020987.5 (MANE Select); coding-DNA position 5486, A replaced by G.
Protein change: p.Asn1829Ser; replaces asparagine 1829 with serine.
Molecular consequence: missense variant. On other transcripts: intron variant (4).
Genome position (GRCh38, 1-based): chr10:60,075,395, T>C on the plus strand (A>G on the coding strand, the complement: ANK3 is on the minus strand). VCF-style: chr10-60075395-T-C. GRCh37 (hg19) VCF-style: chr10-61835153-T-C.
Other names: c.5486A>G (NM_020987.3); c.4387+5142A>G (NM_001204403.2); c.4408+5142A>G (NM_001204404.2); c.4405+5142A>G (NM_001320874.2); c.1807+5142A>G (NM_001149.4); short protein forms N1829S.
Identifiers: ClinVar variation 3708387 (VCV003708387.3).